The following is an entry in ClinVar:

ClinVar aggregate classification (germline): Conflicting classifications of pathogenicity. Review status: criteria provided, conflicting classifications (1 of 4 stars). 5 submissions from 5 submitters: Uncertain significance (1); Likely benign (4). Last evaluated 2026-03-02.

Conditions:
PLEC-related disorder. Also called: PLEC-related disorders; PLEC-related condition.
Autosomal recessive limb-girdle muscular dystrophy type 2Q (LGMDR17). Also called: MUSCULAR DYSTROPHY, LIMB-GIRDLE, AUTOSOMAL RECESSIVE 17. Identifiers: Orphanet 254361, MedGen C3150989, MONDO:0013390, OMIM 613723.
Epidermolysis bullosa simplex 5B, with muscular dystrophy (EBS5B). Also called: EPIDERMOLYSIS BULLOSA SIMPLEX AND LIMB-GIRDLE MUSCULAR DYSTROPHY; Epidermolysis bullosa simplex with muscular dystrophy. Identifiers: Orphanet 257, MedGen C2931072, MONDO:0009181, OMIM 226670.
Epidermolysis bullosa simplex with nail dystrophy (EBS5D). Identifiers: MedGen C4225309, MONDO:0014661, OMIM 616487.
Epidermolysis bullosa simplex, Ogna type (EBS5A). Also called: Pidermolysis bullosa simplex 5A, Ogna type; EPIDERMOLYSIS BULLOSA SIMPLEX 5A, OGNA TYPE. Identifiers: Orphanet 79401, MedGen C0432317, MONDO:0007555, OMIM 131950.
Epidermolysis bullosa simplex 5C, with pyloric atresia (EBS5C). Also called: PLEC1-Related Epidermolysis Bullosa with Pyloric Atresia; PLEC-Related Epidermolysis Bullosa with Pyloric Atresia; Epidermolysis bullosa simplex with pyloric atresia. Identifiers: Orphanet 158684, MedGen C2677349, MONDO:0012807, OMIM 612138.

Allele frequency attached by ClinVar (database versions not stated): ExAC 0.00021; gnomAD exomes 0.00027; gnomAD 0.00029; 1000 Genomes Project 30x 0.00031; TOPMed 0.00031; 1000 Genomes Project 0.00040.
gnomAD v4.1: 301 of 1,612,598 alleles (0.019%); highest among the groups gnomAD compares: Admixed American, 0.12%; no homozygotes.

Submissions (5):

PreventionGenetics, part of Exact Sciences
Classification: Likely benign for PLEC-related condition. Last evaluated: 2026-03-02. Review status: criteria provided, single submitter. Criteria: ACMG Guidelines, 2015. Collection method: clinical testing. Allele origin: germline.
Comment: This variant is classified as likely benign based on ACMG/AMP sequence variant interpretation guidelines (Richards et al. 2015 PMID: 25741868, with internal and published modifications).

Labcorp Genetics (formerly Invitae), Labcorp
Classification: Likely benign for Autosomal recessive limb-girdle muscular dystrophy type 2Q; Epidermolysis bullosa simplex, Ogna type; Epidermolysis bullosa simplex with nail dystrophy; Epidermolysis bullosa simplex 5C, with pyloric atresia; Epidermolysis bullosa simplex 5B, with muscular dystrophy. Last evaluated: 2025-12-07. Review status: criteria provided, single submitter. Criteria: Invitae Variant Classification Sherloc (09022015). Collection method: clinical testing. Allele origin: germline.

Blueprint Genetics
Classification: Likely benign. Last evaluated: 2024-03-01. Review status: criteria provided, single submitter. Criteria: ACMG Guidelines, 2015. Collection method: clinical testing. Allele origin: germline.

Eurofins Ntd Llc (ga)
Classification: Uncertain significance. Last evaluated: 2017-01-19. Review status: criteria provided, single submitter. Criteria: EGL Classification Definitions 2015. Collection method: clinical testing. Allele origin: germline. Observed: 3 variant alleles, 3 heterozygotes.

GeneDx
Classification: Likely benign. Last evaluated: 2016-05-02. Review status: criteria provided, single submitter. Criteria: GeneDx Variant Classification (06012015). Collection method: clinical testing. Allele origin: germline. Affected: yes.
Comment: This variant is considered likely benign or benign based on one or more of the following criteria: it is a conservative change, it occurs at a poorly conserved position in the protein, it is predicted to be benign by multiple in silico algorithms, and/or has population frequency not consistent with disease.

NM_201384.3(PLEC):c.1977+7G>A

Gene: PLEC (plectin; minus strand). Cytogenetic location: 8q24.3.
Variant type: single nucleotide variant.
Coding change: c.1977+7G>A on transcript NM_201384.3 (MANE Select); 7 bases into the intron after coding-DNA position 1977, G replaced by A.
Molecular consequence: intron variant.
Genome position (GRCh38, 1-based): chr8:143,932,393, C>T on the plus strand (G>A on the coding strand, the complement: PLEC is on the minus strand). VCF-style: chr8-143932393-C-T. GRCh37 (hg19) VCF-style: chr8-145006561-C-T.
Other names: c.2058+7G>A (NM_000445.5); c.1935+7G>A (NM_201378.4); c.1911+7G>A (NM_201379.3); c.2388+7G>A (NM_201380.4); c.1881+7G>A (NM_201381.3); c.1977+7G>A (NM_201382.4); c.1989+7G>A (NM_201383.3).
Identifiers: ClinVar variation 385357 (VCV000385357.16), dbSNP rs184363750, ClinGen allele CA4927764.